The following is an entry in ClinVar:

NM_022039.4(FBXW4):c.1634G>A (p.Arg545His)

Gene: FBXW4 (F-box and WD repeat domain containing 4; minus strand). Cytogenetic location: 10q24.32.
Variant type: single nucleotide variant.
Coding change: c.1634G>A on transcript NM_022039.4 (MANE Select); coding-DNA position 1634, G replaced by A.
Protein change: p.Arg545His; replaces arginine 545 with histidine.
Molecular consequence: missense variant. On other transcripts: non-coding transcript variant (1).
Genome position (GRCh38, 1-based): chr10:101,611,361, C>T on the plus strand (G>A on the coding strand, the complement: FBXW4 is on the minus strand). VCF-style: chr10-101611361-C-T. GRCh37 (hg19) VCF-style: chr10-103371118-C-T.
Other names: c.908G>A, p.Arg303His (NM_001323541.2); short protein forms R303H, R545H.
Identifiers: ClinVar variation 3710740 (VCV003710740.2).

ClinVar aggregate classification (germline): Uncertain significance (1 of 4 stars; one submission).

gnomAD v4.1: 51 of 1,613,954 alleles (0.0032%); highest among the groups gnomAD compares: African/African-American, 0.045%; no homozygotes.

Submission:

Labcorp Genetics (formerly Invitae), Labcorp
Classification: Uncertain significance. Last evaluated: 2024-01-03. Review status: criteria provided, single submitter. Criteria: Invitae Variant Classification Sherloc (09022015). Collection method: clinical testing. Allele origin: germline.
Comment: This sequence change replaces arginine, which is basic and polar, with histidine, which is basic and polar, at codon 390 of the FBXW4 protein (p.Arg390His). This variant is present in population databases (rs148012023, gnomAD 0.04%). This variant has not been reported in the literature in individuals affected with FBXW4-related conditions. An algorithm developed to predict the effect of missense changes on protein structure and function (PolyPhen-2) suggests that this variant is likely to be disruptive. In summary, the available evidence is currently insufficient to determine the role of this variant in disease. Therefore, it has been classified as a Variant of Uncertain Significance.